The following is an entry in ClinVar:

NM_001199397.3(NEK1):c.3411G>A (p.Leu1137=)

Gene: NEK1 (NIMA related kinase 1; minus strand). Cytogenetic location: 4q33.
Variant type: single nucleotide variant.
Coding change: c.3411G>A on transcript NM_001199397.3 (MANE Select); coding-DNA position 3411, G replaced by A.
Protein change: p.Leu1137=; no amino-acid change (leucine 1137 retained).
Molecular consequence: synonymous variant. On other transcripts: non-coding transcript variant (1).
Genome position (GRCh38, 1-based): chr4:169,401,824, C>T on the plus strand (G>A on the coding strand, the complement: NEK1 is on the minus strand). VCF-style: chr4-169401824-C-T. GRCh37 (hg19) VCF-style: chr4-170322975-C-T.
Other names: c.3279G>A, p.Leu1093= (NM_001199398.3); c.3120G>A, p.Leu1040= (NM_001199399.3); c.3195G>A, p.Leu1065= (NM_001199400.3); c.3411G>A, p.Leu1137= (NM_001374418.1); c.3327G>A, p.Leu1109= (NM_001374419.1, NM_012224.4); c.3276G>A, p.Leu1092= (NM_001374420.1); c.2928G>A, p.Leu976= (NM_001374421.1).
Identifiers: ClinVar variation 283367 (VCV000283367.65), dbSNP rs56077602, ClinGen allele CA3137163.

ClinVar aggregate classification (germline): Conflicting classifications of pathogenicity. Review status: criteria provided, conflicting classifications (1 of 4 stars). 11 submissions from 11 submitters: Uncertain significance (2); Benign (1); Likely benign (6). 2 of the submissions do not count toward it. Last evaluated 2026-09-01.

Conditions:
NEK1-related disorder. Also called: NEK1-related condition.
Connective tissue disorder. Also called: Connective tissue disease. Identifiers: MedGen C0009782, MONDO:0003900.
Short-rib thoracic dysplasia 6 with or without polydactyly (SRTD6). Also called: POLYDACTYLY WITH NEONATAL CHONDRODYSTROPHY, TYPE II; Majewski Syndrome; SHORT-RIB THORACIC DYSPLASIA 6 WITH POLYDACTYLY; SHORT-RIB THORACIC DYSPLASIA 6 WITHOUT POLYDACTYLY; SHORT RIB-POLYDACTYLY SYNDROME, TYPE IIA. Identifiers: MedGen C0024507, MONDO:0009894, OMIM 263520.

Allele frequency attached by ClinVar (database versions not stated): 1000 Genomes Project 30x 0.00047; 1000 Genomes Project 0.00060; TOPMed 0.00157; gnomAD 0.00169; ESP Exome Variant Server 0.00174.
gnomAD v4.1: 3,079 of 1,613,160 alleles (0.19%); highest among the groups gnomAD compares: Middle Eastern, 1.5%; 10 homozygotes.

Submissions (11):

CeGaT Center for Human Genetics Tuebingen
Classification: Likely benign. Last evaluated: 2026-09-01. Review status: criteria provided, single submitter. Criteria: CeGaT Center For Human Genetics Tuebingen Variant Classification Criteria Version 2. Collection method: clinical testing. Allele origin: germline. Affected: yes. Observed: 7 variant alleles.
Comment: NEK1: BP4, BP7

Labcorp Genetics (formerly Invitae), Labcorp
Classification: Likely benign for Short-rib thoracic dysplasia 6 with or without polydactyly. Last evaluated: 2026-01-05. Review status: criteria provided, single submitter. Criteria: Invitae Variant Classification Sherloc (09022015). Collection method: clinical testing. Allele origin: germline.

PreventionGenetics, part of Exact Sciences
Classification: Likely benign for NEK1-related condition. Last evaluated: 2025-03-17. Review status: criteria provided, single submitter. Criteria: ACMG Guidelines, 2015. Collection method: clinical testing. Allele origin: germline.
Comment: This variant is classified as likely benign based on ACMG/AMP sequence variant interpretation guidelines (Richards et al. 2015 PMID: 25741868, with internal and published modifications).

Blueprint Genetics
Classification: Likely benign. Last evaluated: 2024-11-25. Review status: criteria provided, single submitter. Criteria: ACMG Guidelines, 2015. Collection method: clinical testing. Allele origin: germline.

ARUP Laboratories, Molecular Genetics and Genomics, ARUP Laboratories
Classification: Likely benign. Last evaluated: 2023-12-19. Review status: criteria provided, single submitter. Criteria: ARUP Molecular Germline Variant Investigation Process 2024. Collection method: clinical testing. Allele origin: germline.

Genome Diagnostics Laboratory, The Hospital for Sick Children
Classification: Likely benign for Connective tissue disorder. Last evaluated: 2021-03-17. Review status: criteria provided, single submitter. Criteria: ACMG Guidelines, 2015. Collection method: clinical testing. Allele origin: germline.

GeneDx
Classification: Benign. Last evaluated: 2019-01-17. Review status: criteria provided, single submitter. Criteria: GeneDx Variant Classification Process June 2021. Collection method: clinical testing. Allele origin: germline. Affected: yes.

Eurofins Ntd Llc (ga)
Classification: Uncertain significance. Last evaluated: 2018-05-02. Review status: criteria provided, single submitter. Criteria: EGL ClinVar v180209 classification definitions. Collection method: clinical testing. Allele origin: germline. Observed: 12 variant alleles, 11 heterozygotes, 1 homozygote.

Illumina Laboratory Services, Illumina
Classification: Uncertain significance for Short-rib thoracic dysplasia 6 with or without polydactyly. Last evaluated: 2018-01-13. Review status: criteria provided, single submitter. Criteria: ICSL Variant Classification Criteria 13 December 2019. Collection method: clinical testing. Allele origin: germline.

Clinical Genetics DNA and cytogenetics Diagnostics Lab, Erasmus MC, Erasmus Medical Center
Classification: Likely benign. Review status: no assertion criteria provided. Collection method: clinical testing. Allele origin: germline. Affected: yes. Study: VKGL Data-share Consensus. Not counted in ClinVar's aggregate classification.

Genome Diagnostics Laboratory, University Medical Center Utrecht
Classification: Likely benign. Review status: no assertion criteria provided. Collection method: clinical testing. Allele origin: germline. Affected: yes. Study: VKGL Data-share Consensus. Not counted in ClinVar's aggregate classification.